The following is an entry in ClinVar:

ClinVar aggregate classification (germline): Likely benign. Review status: reviewed by expert panel (3 of 4 stars). 12 submissions from 11 submitters: Likely benign (1). 11 of the submissions do not count toward it. Last evaluated 2017-06-29.

Conditions:
BRCA2-related cancer predisposition. Identifiers: MedGen CN377758, MONDO:0700269.
BRCA2-related disorder. Also called: BRCA2-related condition; BRCA2-related disorders. Identifiers: MedGen CN239275.
Hereditary cancer-predisposing syndrome. Also called: Tumor predisposition; Hereditary Cancer Syndrome; Hereditary neoplastic syndrome; Neoplastic Syndromes, Hereditary. Identifiers: Orphanet 140162, MedGen C0027672, MeSH D009386, MONDO:0015356.
Hereditary breast ovarian cancer syndrome. Also called: Breast and ovarian cancer; Hereditary breast and ovarian cancer syndrome; Hereditary breast and ovarian cancer; BRCA1- and BRCA2-Associated Hereditary Breast and Ovarian Cancer; Hereditary breast and ovarian cancer syndrome (HBOC); Hereditary breast and/or ovarian cancer syndrome. Identifiers: Orphanet 145, MedGen C0677776, MeSH D061325, MONDO:0003582. Disease mechanism: loss of function.
Fanconi anemia complementation group D1. Also called: BRCA2-Related Fanconi Anemia. Identifiers: Orphanet 319462, MedGen C1838457, MONDO:0011584, OMIM 605724.
Breast-ovarian cancer, familial, susceptibility to, 2 (BROVCA2). Also called: BRCA2 Hereditary Breast and Ovarian Cancer. Identifiers: Orphanet 145, MedGen C2675520, MONDO:0012933, OMIM 612555. Disease mechanism: loss of function.

Allele frequency attached by ClinVar (database versions not stated): TOPMed 0.00002.
gnomAD v4.1: 26 of 1,613,886 alleles (0.0016%); highest among the groups gnomAD compares: East Asian, 0.036%; no homozygotes.

Submissions (12):

Evidence-based Network for the Interpretation of Germline Mutant Alleles (ENIGMA)
Classification: Likely benign for Breast-ovarian cancer, familial, susceptibility to, 2. Last evaluated: 2017-06-29. Review status: reviewed by expert panel. Criteria: ENIGMA BRCA1/2 Classification Criteria (2017-06-29). Collection method: curation. Allele origin: germline.
Comment: Synonymous substitution variant, with low bioinformatic likelihood to result in a splicing aberration (Splicing prior probability 0.02).

Labcorp Genetics (formerly Invitae), Labcorp
Classification: Likely benign for Hereditary breast ovarian cancer syndrome. Last evaluated: 2026-01-14. Review status: criteria provided, single submitter. Criteria: Invitae Variant Classification Sherloc (09022015). Collection method: clinical testing. Allele origin: germline. Not counted in ClinVar's aggregate classification.

All of Us Research Program, National Institutes of Health
Classification: Likely benign for BRCA2-related cancer predisposition. Last evaluated: 2024-09-13. Review status: criteria provided, single submitter. Criteria: ACMG Guidelines, 2015. Collection method: clinical testing. Allele origin: germline. Inheritance: Autosomal dominant inheritance. Observed: 5 variant alleles, 5 heterozygotes. Not counted in ClinVar's aggregate classification.
Comment: This study involves interpretation of variants in research participants for the purpose of population health screening. Participant phenotype was not available at the time of variant classification. Additional details can be found in publication PMID: 35346344, PMCID: PMC8962531

Quest Diagnostics Nichols Institute San Juan Capistrano
Classification: Likely benign. Last evaluated: 2020-07-13. Review status: criteria provided, single submitter. Criteria: Quest Diagnostics criteria. Collection method: clinical testing. Allele origin: unknown. Not counted in ClinVar's aggregate classification.

Women's Health and Genetics/Laboratory Corporation of America, LabCorp
Classification: Likely benign. Last evaluated: 2019-08-08. Review status: criteria provided, single submitter. Criteria: LabCorp Variant Classification Summary - May 2015. Collection method: clinical testing. Allele origin: germline. Not counted in ClinVar's aggregate classification.

Illumina Laboratory Services, Illumina
Classification: Uncertain significance for Fanconi anemia complementation group D1. Last evaluated: 2018-01-13. Review status: criteria provided, single submitter. Criteria: ICSL Variant Classification Criteria 13 December 2019. Collection method: clinical testing. Allele origin: germline. Not counted in ClinVar's aggregate classification.

Illumina Laboratory Services, Illumina
Classification: Uncertain significance for Breast-ovarian cancer, familial, susceptibility to, 2. Last evaluated: 2018-01-13. Review status: criteria provided, single submitter. Criteria: ICSL Variant Classification Criteria 13 December 2019. Collection method: clinical testing. Allele origin: germline. Not counted in ClinVar's aggregate classification.

Color Diagnostics, LLC DBA Color Health
Classification: Likely benign for Hereditary cancer-predisposing syndrome. Last evaluated: 2017-09-05. Review status: criteria provided, single submitter. Criteria: ACMG Guidelines, 2015. Collection method: clinical testing. Allele origin: germline. Not counted in ClinVar's aggregate classification.

GeneDx
Classification: Benign. Last evaluated: 2015-04-21. Review status: criteria provided, single submitter. Criteria: GeneDx Variant Classification Process June 2021. Collection method: clinical testing. Allele origin: germline. Affected: yes. Not counted in ClinVar's aggregate classification.

Ambry Genetics
Classification: Likely benign for Hereditary cancer-predisposing syndrome. Last evaluated: 2014-08-04. Review status: criteria provided, single submitter. Criteria: Ambry Variant Classification Scheme 2023. Collection method: clinical testing. Allele origin: germline. Not counted in ClinVar's aggregate classification.

PreventionGenetics, part of Exact Sciences
Classification: Likely benign for BRCA2-related condition. Last evaluated: 2023-08-03. Review status: no assertion criteria provided. Collection method: clinical testing. Allele origin: germline. Not counted in ClinVar's aggregate classification.
Comment: This variant is classified as likely benign based on ACMG/AMP sequence variant interpretation guidelines (Richards et al. 2015 PMID: 25741868, with internal and published modifications).

Department of Pathology and Laboratory Medicine, Sinai Health System
Classification: Likely benign. Review status: no assertion criteria provided. Collection method: clinical testing. Allele origin: unknown. Affected: yes. Observed: 1 variant allele. Study: The Canadian Open Genetics Repository (COGR). Not counted in ClinVar's aggregate classification.
Comment: The p.Pro3202Pro was identified in a cohort of Italian ovarian cancer patients, with frequency unspecified, as a polymorphism with no clinical significance (Minucci 2015). The variant was also identified in dbSNP (ID: rs755890067) â€šÃ„ÃºWith Likely benign alleleâ€šÃ„Ã¹, Clinvitae database (classification likely benign), the ClinVar database (classified as likely benign by Ambry Genetics and Invitae), UMD (13X with â€šÃ„Ã¹unclassified variantâ€šÃ„Ã¹), co-occurring with a pathogenic BRCA1 variant (c.4183C>T, p.Gln1395X); and in the Exome Aggregation Consortium (ExAC) database (released Jan 13, 2015) in 6 of 66734 chromosomes (frequency: 0.00008) from a population of European (Non-Finnish) individuals, increasing the likelihood that this may be a low frequency benign variant in certain populations of origin. It was not identified in East Asian, Other, African, Latino, South Asian, and European (Finnish) populations in EXAC. The p.Pro3202Pro variant is not expected to have clinical significance because it does not result in a change of amino acid and is not located in a known consensus splice site. In addition, 4 of 5 in silico or computational prediction software programs (SpliceSiteFinder, MaxEntScan, NNSPLICE, GeneSplicer, HumanSpliceFinder) do not predict a difference in splicing; this is not very predictive of pathogenicity. In summary, based on the above information, this variant meets our laboratory's criteria to be classified as likely benign.

Literature cited by the submitters: PubMed 21120943 (cited by Quest Diagnostics Nichols Institute San Juan Capistrano); PubMed 20858050 (cited by Quest Diagnostics Nichols Institute San Juan Capistrano); PubMed 20104584 (cited by Quest Diagnostics Nichols Institute San Juan Capistrano); PubMed 26306726 (cited by Quest Diagnostics Nichols Institute San Juan Capistrano); PubMed 28726806 (cited by Quest Diagnostics Nichols Institute San Juan Capistrano).

NM_000059.4(BRCA2):c.9606G>A (p.Pro3202=)

Gene: BRCA2 (BRCA2 DNA repair associated; plus strand). Cytogenetic location: 13q13.1.
Variant type: single nucleotide variant.
Coding change: c.9606G>A on transcript NM_000059.4 (MANE Select); coding-DNA position 9606, G replaced by A.
Protein change: p.Pro3202=; no amino-acid change (proline 3202 retained).
Molecular consequence: synonymous variant.
Genome position (GRCh38, 1-based): chr13:32,397,002, G>A. VCF-style: chr13-32397002-G-A. GRCh37 (hg19) VCF-style: chr13-32971139-G-A.
Identifiers: ClinVar variation 185045 (VCV000185045.32), dbSNP rs755890067, ClinGen allele CA026230.